The following is an entry in ClinVar:

ClinVar aggregate classification (germline): Uncertain significance (1 of 4 stars; one submission).

Conditions:
Congenital contractural arachnodactyly (CCA). Also called: BEALS SYNDROME; Beals-Hecht syndrome; Arthrogryposis, distal, type 9. Identifiers: Orphanet 115, MedGen C0220668, MONDO:0007363, OMIM 121050.

Submission:

Labcorp Genetics (formerly Invitae), Labcorp
Classification: Uncertain significance for Congenital contractural arachnodactyly. Last evaluated: 2025-02-13. Review status: criteria provided, single submitter. Criteria: Invitae Variant Classification Sherloc (09022015). Collection method: clinical testing. Allele origin: germline.
Comment: This sequence change replaces lysine, which is basic and polar, with glutamic acid, which is acidic and polar, at codon 2862 of the FBN2 protein (p.Lys2862Glu). This variant is not present in population databases (gnomAD no frequency). This variant has not been reported in the literature in individuals affected with FBN2-related conditions. Invitae Evidence Modeling of protein sequence and biophysical properties (such as structural, functional, and spatial information, amino acid conservation, physicochemical variation, residue mobility, and thermodynamic stability) indicates that this missense variant is not expected to disrupt FBN2 protein function with a negative predictive value of 80%. In summary, the available evidence is currently insufficient to determine the role of this variant in disease. Therefore, it has been classified as a Variant of Uncertain Significance.

NM_001999.4(FBN2):c.8584A>G (p.Lys2862Glu)

Gene: FBN2 (fibrillin 2; minus strand). Cytogenetic location: 5q23.3.
Variant type: single nucleotide variant.
Coding change: c.8584A>G on transcript NM_001999.4 (MANE Select); coding-DNA position 8584, A replaced by G.
Protein change: p.Lys2862Glu; replaces lysine 2862 with glutamic acid.
Molecular consequence: missense variant.
Genome position (GRCh38, 1-based): chr5:128,259,610, T>C on the plus strand (A>G on the coding strand, the complement: FBN2 is on the minus strand). VCF-style: chr5-128259610-T-C. GRCh37 (hg19) VCF-style: chr5-127595302-T-C.
Other names: short protein forms K2862E.
Identifiers: ClinVar variation 4797177 (VCV004797177.1).